The following is an entry in ClinVar:

NM_006567.5(FARS2):c.11C>G (p.Ser4Ter)

Genes: FARS2 (phenylalanyl-tRNA synthetase 2, mitochondrial; plus strand), LOC126859565 (CDK7 strongly-dependent group 2 enhancer GRCh37_chr6:5368745-5369944; plus strand). Cytogenetic location: 6p25.1.
Variant type: single nucleotide variant.
Coding change: c.11C>G on transcript NM_006567.5 (MANE Select); coding-DNA position 11, C replaced by G.
Protein change: p.Ser4Ter; replaces serine 4 with a stop codon.
Molecular consequence: nonsense. On other transcripts: intron variant (2).
Genome position (GRCh38, 1-based): chr6:5,368,581, C>G. VCF-style: chr6-5368581-C-G. GRCh37 (hg19) VCF-style: chr6-5368814-C-G.
Other names: c.11C>G, p.Ser4Ter (NM_001318872.2, NM_001374875.1, NM_001374876.1 and 5 more transcripts); c.-340-28052C>G (NM_001375260.1); c.-84-35961C>G (NM_001375259.1); short protein forms S4*.
Identifiers: ClinVar variation 2861363 (VCV002861363.3), dbSNP rs1758826622, ClinGen allele CA362734360.
Genomic context (GRCh38, chr6:5,368,581, plus strand): 5'-CTTGTGCTTTGCCTGTGTGCTCTTTCCAGAACCTGTGAGAAGTTTCTACAATGGTGGGCT[C>G]AGCTCTCAGGAGAGGTGCCCATGCATATGTCTACCTGGTGAGTAAGGCCAGTCACATCTC-3'

ClinVar aggregate classification (germline): Pathogenic (1 of 4 stars; one submission).

Conditions:
Combined oxidative phosphorylation defect type 14. Also called: Combined oxidative phosphorylation deficiency 14. Identifiers: Orphanet 319519, MedGen C4755312, MONDO:0013986, OMIM 614946.

Submission:

Labcorp Genetics (formerly Invitae), Labcorp
Classification: Pathogenic for Combined oxidative phosphorylation defect type 14. Last evaluated: 2024-04-17. Review status: criteria provided, single submitter. Criteria: Invitae Variant Classification Sherloc (09022015). Collection method: clinical testing. Allele origin: germline.
Comment: This sequence change creates a premature translational stop signal (p.Ser4*) in the FARS2 gene. It is expected to result in an absent or disrupted protein product. Loss-of-function variants in FARS2 are known to be pathogenic (PMID: 22833457). This variant is not present in population databases (gnomAD no frequency). This variant has not been reported in the literature in individuals affected with FARS2-related conditions. For these reasons, this variant has been classified as Pathogenic.

Literature cited by the submitters: PubMed 22833457.